The following is an entry in ClinVar:

NM_206933.4(USH2A):c.10502_10535dup (p.Asn3512fs)

Gene: USH2A (usherin; minus strand). Cytogenetic location: 1q41.
Variant type: Duplication.
Coding change: c.10502_10535dup on transcript NM_206933.4 (MANE Select); coding-DNA positions 10502 to 10535, 34 bases duplicated.
Protein change: p.Asn3512fs; shifts the reading frame from asparagine 3512.
Molecular consequence: frameshift variant.
Genome position (GRCh38, 1-based): chr1:215,782,788-215,782,821, 34 bases duplicated. GRCh37 (hg19): chr1:215,956,130-215,956,163.
Other names: short protein forms N3512fs.
Identifiers: ClinVar variation 1454837 (VCV001454837.6), dbSNP rs2102763421, ClinGen allele CA2573131603.
Genomic context (GRCh38, chr1:215,782,787, plus strand): 5'-TATCTCAATACCATTTGATTGTATAGGTTTTCTCCAGTTTAAGACAATTGTATCTTCAAG[A>ATTGTCTATTTTGGTCCACGTAGGGGGACTCACTC]TTGTCTATTTTGGTCCACGTAGGGGGACTCACTCCTTGAGGCACATCTTCTTTTGTTCTG-3'

ClinVar aggregate classification (germline): Pathogenic (1 of 4 stars; one submission).

Submission:

Labcorp Genetics (formerly Invitae), Labcorp
Classification: Pathogenic. Last evaluated: 2021-11-26. Review status: criteria provided, single submitter. Criteria: Invitae Variant Classification Sherloc (09022015). Collection method: clinical testing. Allele origin: germline.
Comment: This sequence change creates a premature translational stop signal (p.Asn3512Lysfs*14) in the USH2A gene. It is expected to result in an absent or disrupted protein product. Loss-of-function variants in USH2A are known to be pathogenic (PMID: 10729113, 10909849, 20507924, 25649381). This variant is not present in population databases (gnomAD no frequency). This variant has not been reported in the literature in individuals affected with USH2A-related conditions. Algorithms developed to predict the effect of sequence changes on RNA splicing suggest that this variant may create or strengthen a splice site. For these reasons, this variant has been classified as Pathogenic.

Literature cited by the submitters: PubMed 10729113; PubMed 10909849; PubMed 20507924; PubMed 25649381.